The following is an entry in ClinVar:

NM_001099771.2(POTEF):c.2856C>T (p.Asn952=)

Gene: POTEF (POTE ankyrin domain family member F; minus strand). Cytogenetic location: 2q21.1.
Variant type: single nucleotide variant.
Coding change: c.2856C>T on transcript NM_001099771.2 (MANE Select); coding-DNA position 2856, C replaced by T.
Protein change: p.Asn952=; no amino-acid change (asparagine 952 retained).
Molecular consequence: synonymous variant.
Genome position (GRCh38, 1-based): chr2:130,074,616, G>A on the plus strand (C>T on the coding strand, the complement: POTEF is on the minus strand). VCF-style: chr2-130074616-G-A. GRCh37 (hg19) VCF-style: chr2-130832189-G-A.
Identifiers: ClinVar variation 2651349 (VCV002651349.24), dbSNP rs199759858, ClinGen allele CA1867951.

ClinVar aggregate classification (germline): Likely benign (1 of 4 stars; one submission).

Allele frequency attached by ClinVar (database versions not stated): ExAC 0.00111; 1000 Genomes Project 0.00140; 1000 Genomes Project 30x 0.00187; gnomAD 0.00270; gnomAD exomes 0.00395.
gnomAD v4.1: 6,054 of 1,576,468 alleles (0.38%); highest among the groups gnomAD compares: Non-Finnish European, 0.45%; 5 homozygotes.

Submission:

CeGaT Center for Human Genetics Tuebingen
Classification: Likely benign. Last evaluated: 2022-12-01. Review status: criteria provided, single submitter. Criteria: CeGaT Center For Human Genetics Tuebingen Variant Classification Criteria Version 2. Collection method: clinical testing. Allele origin: germline. Affected: yes. Observed: 1 variant allele.
Comment: POTEF: BP4, BP7